The following is an entry in ClinVar:

ClinVar aggregate classification (germline): Uncertain significance (1 of 4 stars; one submission).

Submission:

Women's Health and Genetics/Laboratory Corporation of America, LabCorp
Classification: Uncertain significance. Last evaluated: 2026-03-13. Review status: criteria provided, single submitter. Criteria: LabCorp Variant Classification Summary - May 2015. Collection method: clinical testing. Allele origin: germline.
Comment: Variant summary: EMILIN1 c.*7G>T is located in the untranslated mRNA region downstream of the termination codon. The variant was absent in 76632 control chromosomes. The available data on variant occurrences in the general population are insufficient to allow any conclusion about variant significance. To our knowledge, no occurrence of c.*7G>T in individuals affected with EMILIN1-related conditions and no experimental evidence demonstrating its impact on protein function have been reported. No submitters have cited clinical-significance assessments for this variant to ClinVar. Based on the evidence outlined above, the variant was classified as uncertain significance.

NM_007046.4(EMILIN1):c.*7G>T

Gene: EMILIN1 (elastin microfibril interfacer 1; plus strand). Cytogenetic location: 2p23.3.
Variant type: single nucleotide variant.
Coding change: c.*7G>T on transcript NM_007046.4 (MANE Select); 7 bases downstream of the stop codon, G replaced by T.
Molecular consequence: 3 prime UTR variant.
Genome position (GRCh38, 1-based): chr2:27,086,022, G>T. VCF-style: chr2-27086022-G-T. GRCh37 (hg19) VCF-style: chr2-27308890-G-T.
Identifiers: ClinVar variation 4847244 (VCV004847244.1).